The following is an entry in ClinVar:

ClinVar aggregate classification (germline): Uncertain significance (1 of 4 stars; one submission).

gnomAD v4.1: 10 of 1,613,830 alleles (0.00062%); highest among the groups gnomAD compares: South Asian, 0.011%; 1 homozygote.

Submission:

Labcorp Genetics (formerly Invitae), Labcorp
Classification: Uncertain significance. Last evaluated: 2025-05-21. Review status: criteria provided, single submitter. Criteria: Invitae Variant Classification Sherloc (09022015). Collection method: clinical testing. Allele origin: germline.
Comment: This sequence change replaces isoleucine, which is neutral and non-polar, with serine, which is neutral and polar, at codon 272 of the SLCO5A1 protein (p.Ile272Ser). This variant is present in population databases (rs559976892, gnomAD 0.003%). This variant has not been reported in the literature in individuals affected with SLCO5A1-related conditions. An algorithm developed to predict the effect of missense changes on protein structure and function (PolyPhen-2) suggests that this variant is likely to be disruptive. In summary, the available evidence is currently insufficient to determine the role of this variant in disease. Therefore, it has been classified as a Variant of Uncertain Significance.

NM_030958.3(SLCO5A1):c.815T>G (p.Ile272Ser)

Gene: SLCO5A1 (solute carrier organic anion transporter family member 5A1; minus strand). Cytogenetic location: 8q13.3.
Variant type: single nucleotide variant.
Coding change: c.815T>G on transcript NM_030958.3 (MANE Select); coding-DNA position 815, T replaced by G.
Protein change: p.Ile272Ser; replaces isoleucine 272 with serine.
Molecular consequence: missense variant.
Genome position (GRCh38, 1-based): chr8:69,831,859, A>C on the plus strand (T>G on the coding strand, the complement: SLCO5A1 is on the minus strand). VCF-style: chr8-69831859-A-C. GRCh37 (hg19) VCF-style: chr8-70744094-A-C.
Other names: c.815T>G, p.Ile272Ser (NM_001146008.2, NM_001146009.1); short protein forms I272S.
Identifiers: ClinVar variation 4748093 (VCV004748093.1).